The following is an entry in ClinVar:

NM_001256715.2(DNAAF3):c.847G>A (p.Val283Met)

Genes: DNAAF3 (dynein axonemal assembly factor 3; minus strand), DNAAF3-AS1 (DNAAF3 antisense RNA 1; plus strand). Cytogenetic location: 19q13.42.
Variant type: single nucleotide variant.
Coding change: c.847G>A on transcript NM_001256715.2 (MANE Select); coding-DNA position 847, G replaced by A.
Protein change: p.Val283Met; replaces valine 283 with methionine.
Molecular consequence: missense variant.
Genome position (GRCh38, 1-based): chr19:55,161,130, C>T on the plus strand (G>A on the coding strand, the complement: DNAAF3 is on the minus strand). VCF-style: chr19-55161130-C-T. GRCh37 (hg19) VCF-style: chr19-55672498-C-T.
Other names: c.685G>A, p.Val229Met (NM_001256716.2); c.988G>A, p.Val330Met (NM_178837.4); c.1051G>A, p.Val351Met (NM_001256714.1); short protein forms V351M, V330M, V283M, V229M.
Identifiers: ClinVar variation 410286 (VCV000410286.11), dbSNP rs1039202842, ClinGen allele CA16616446.

ClinVar aggregate classification (germline): Uncertain significance. Review status: criteria provided, multiple submitters, no conflicts (2 of 4 stars). 2 submissions from 2 submitters: Uncertain significance (2). Last evaluated 2024-07-14.

Conditions:
Primary ciliary dyskinesia. Also called: Ciliary dyskinesia. Identifiers: Orphanet 244, MedGen C0008780, MONDO:0016575, HP:0012265.

Allele frequency attached by ClinVar (database versions not stated): gnomAD exomes 0.00001; TOPMed 0.00001; gnomAD 0.00002.
gnomAD v4.1: 90 of 1,548,942 alleles (0.0058%); highest among the groups gnomAD compares: Middle Eastern, 0.018%; no homozygotes.

Submissions (2):

Ambry Genetics
Classification: Uncertain significance for Primary ciliary dyskinesia. Last evaluated: 2024-07-14. Review status: criteria provided, single submitter. Criteria: Ambry Variant Classification Scheme 2023. Collection method: clinical testing. Allele origin: germline.
Comment: The p.V351M variant (also known as c.1051G>A), located in coding exon 8 of the DNAAF3 gene, results from a G to A substitution at nucleotide position 1051. The valine at codon 351 is replaced by methionine, an amino acid with highly similar properties. This amino acid position is conserved. In addition, this alteration is predicted to be tolerated by in silico analysis. Since supporting evidence is limited at this time, the clinical significance of this alteration remains unclear.

Labcorp Genetics (formerly Invitae), Labcorp
Classification: Uncertain significance for Primary ciliary dyskinesia. Last evaluated: 2016-11-01. Review status: criteria provided, single submitter. Criteria: Invitae Variant Classification Sherloc (09022015). Collection method: clinical testing. Allele origin: germline.
Comment: In summary, this variant is a novel missense change with uncertain impact on protein function. It has been classified as a Variant of Uncertain Significance. Algorithms developed to predict the effect of missense changes on protein structure and function do not agree on the potential impact of this missense change (SIFT: "Tolerated"; PolyPhen-2: "Possibly Damaging"; Align-GVGD: "Class C0"). This variant is not present in population databases (ExAC no frequency) and has not been reported in the literature in individuals with a DNAAF3-related disease. This sequence change replaces valine with methionine at codon 351 of the DNAAF3 protein (p.Val351Met). The valine residue is moderately conserved and there is a small physicochemical difference between valine and methionine.